The following is an entry in ClinVar:

ClinVar aggregate classification (germline): Uncertain significance (1 of 4 stars; one submission).

Submission:

Labcorp Genetics (formerly Invitae), Labcorp
Classification: Uncertain significance. Last evaluated: 2026-01-19. Review status: criteria provided, single submitter. Criteria: Invitae Variant Classification Sherloc (09022015). Collection method: clinical testing. Allele origin: germline.
Comment: This sequence change replaces serine, which is neutral and polar, with asparagine, which is neutral and polar, at codon 406 of the AUTS2 protein (p.Ser406Asn). This variant is not present in population databases (gnomAD no frequency). This variant has not been reported in the literature in individuals affected with AUTS2-related conditions. An algorithm developed to predict the effect of missense changes on protein structure and function (PolyPhen-2) suggests that this variant is likely to be tolerated. In summary, the available evidence is currently insufficient to determine the role of this variant in disease. Therefore, it has been classified as a Variant of Uncertain Significance.

NM_015570.4(AUTS2):c.1217G>A (p.Ser406Asn)

Gene: AUTS2 (activator of transcription and developmental regulator AUTS2; plus strand). Cytogenetic location: 7q11.22.
Variant type: single nucleotide variant.
Coding change: c.1217G>A on transcript NM_015570.4 (MANE Select); coding-DNA position 1217, G replaced by A.
Protein change: p.Ser406Asn; replaces serine 406 with asparagine.
Molecular consequence: missense variant.
Genome position (GRCh38, 1-based): chr7:70,764,754, G>A. VCF-style: chr7-70764754-G-A. GRCh37 (hg19) VCF-style: chr7-70229740-G-A.
Other names: c.1217G>A, p.Ser406Asn (NM_001127231.3); short protein forms S406N.
Identifiers: ClinVar variation 4776302 (VCV004776302.1).